The following is an entry in ClinVar:

NM_198252.3(GSN):c.997G>A (p.Gly333Ser)

Gene: GSN (gelsolin; plus strand). Cytogenetic location: 9q33.2.
Variant type: single nucleotide variant.
Coding change: c.997G>A on transcript NM_198252.3 (MANE Select); coding-DNA position 997, G replaced by A.
Protein change: p.Gly333Ser; replaces glycine 333 with serine.
Molecular consequence: missense variant.
Genome position (GRCh38, 1-based): chr9:121,318,686, G>A. VCF-style: chr9-121318686-G-A. GRCh37 (hg19) VCF-style: chr9-124080964-G-A.
Other names: p.Gly384Ser; c.1030G>A, p.Gly344Ser (NM_001353070.2, NM_001353071.2, NM_001353072.2 and 13 more transcripts); c.1069G>A, p.Gly357Ser (NM_001353076.2); c.343G>A, p.Gly115Ser (NM_001353078.2); c.997G>A, p.Gly333Ser (NM_001353061.2, NM_001353062.1, NM_001127662.2 and 10 more transcripts); c.1150G>A, p.Gly384Ser (NM_000177.5); c.1105G>A, p.Gly369Ser (NM_001127663.2); c.1048G>A, p.Gly350Ser (NM_001258029.2); and 1 more; short protein forms G115S, G333S, G341S, G344S, G350S, G357S, G369S, G384S.
Identifiers: ClinVar variation 1299155 (VCV001299155.45), dbSNP rs751431867, ClinGen allele CA5221119.

ClinVar aggregate classification (germline): Uncertain significance. Review status: criteria provided, multiple submitters, no conflicts (2 of 4 stars). 5 submissions from 5 submitters: Uncertain significance (5). Last evaluated 2025-08-01.

Conditions:
Finnish type amyloidosis. Also called: AMYLOID CRANIAL NEUROPATHY WITH LATTICE CORNEAL DYSTROPHY; AMYLOIDOSIS DUE TO MUTANT GELSOLIN; AMYLOIDOSIS, HEREDITARY SYSTEMIC 4, FINNISH TYPE; Amyloidosis, familial, Finnish type; Meretoja type amyloidosis; Amyloidosis 5. Identifiers: Orphanet 85448, MedGen C1622345, MONDO:0007097, OMIM 105120.
Inborn genetic diseases. Identifiers: MedGen C0950123, MeSH D030342.

Allele frequency attached by ClinVar (database versions not stated): ExAC 0.00004; gnomAD 0.00005.
gnomAD v4.1: 88 of 1,613,048 alleles (0.0055%); highest among the groups gnomAD compares: Middle Eastern, 0.016%; 1 homozygote.

Submissions (5):

Mayo Clinic Laboratories, Mayo Clinic
Classification: Uncertain significance. Last evaluated: 2025-08-01. Review status: criteria provided, single submitter. Criteria: ACMG Guidelines, 2015. Collection method: clinical testing. Allele origin: germline. Observed: 1 variant allele.

Ambry Genetics
Classification: Uncertain significance for Inborn genetic diseases. Last evaluated: 2024-03-31. Review status: criteria provided, single submitter. Criteria: Ambry Variant Classification Scheme 2023. Collection method: clinical testing. Allele origin: germline.

Labcorp Genetics (formerly Invitae), Labcorp
Classification: Uncertain significance. Last evaluated: 2024-03-26. Review status: criteria provided, single submitter. Criteria: Invitae Variant Classification Sherloc (09022015). Collection method: clinical testing. Allele origin: germline.
Comment: This sequence change replaces glycine, which is neutral and non-polar, with serine, which is neutral and polar, at codon 384 of the GSN protein (p.Gly384Ser). This variant is present in population databases (rs751431867, gnomAD 0.02%), including at least one homozygous and/or hemizygous individual. This variant has not been reported in the literature in individuals affected with GSN-related conditions. ClinVar contains an entry for this variant (Variation ID: 1299155). Advanced modeling of protein sequence and biophysical properties (such as structural, functional, and spatial information, amino acid conservation, physicochemical variation, residue mobility, and thermodynamic stability) performed at Invitae indicates that this missense variant is not expected to disrupt GSN protein function with a negative predictive value of 80%. In summary, the available evidence is currently insufficient to determine the role of this variant in disease. Therefore, it has been classified as a Variant of Uncertain Significance.

Fulgent Genetics
Classification: Uncertain significance for Finnish type amyloidosis. Last evaluated: 2022-05-26. Review status: criteria provided, single submitter. Criteria: ACMG Guidelines, 2015. Collection method: clinical testing. Allele origin: unknown.

CeGaT Center for Human Genetics Tuebingen
Classification: Uncertain significance. Last evaluated: 2021-09-01. Review status: criteria provided, single submitter. Criteria: CeGaT Center For Human Genetics Tuebingen Variant Classification Criteria Version 2. Collection method: clinical testing. Allele origin: germline. Affected: yes. Observed: 1 variant allele.